The following is an entry in ClinVar:

NM_000070.3(CAPN3):c.2023_2024delinsGT (p.Lys675Val)

Gene: CAPN3 (calpain 3; plus strand). Cytogenetic location: 15q15.1.
Variant type: Indel.
Coding change: c.2023_2024delinsGT on transcript NM_000070.3 (MANE Select); coding-DNA positions 2023 to 2024, AA replaced by GT.
Protein change: p.Lys675Val; replaces lysine 675 with valine.
Molecular consequence: missense variant.
Genome position (GRCh38, 1-based): chr15:42,409,817-42,409,818, AA replaced by GT. VCF-style: chr15-42409817-AA-GT. GRCh37 (hg19) VCF-style: chr15-42702015-AA-GT.
Other names: c.2005_2006delinsGT, p.Lys669Val (NM_024344.2); c.1747_1748delinsGT, p.Lys583Val (NM_173087.2); c.487_488delinsGT, p.Lys163Val (NM_173088.2); c.28_29delinsGT, p.Lys10Val (NM_173089.2, NM_173090.2); short protein forms K669V, K10V, K163V, K583V, K675V.
Identifiers: ClinVar variation 4707408 (VCV004707408.1).
Genomic context (GRCh38, chr15:42,409,817, plus strand): 5'-ACCATGACCCTCCTCTCCCTTCCTCCTCAGGACATGGAGATCTGTGCAGATGAGCTCAAG[AA>GT]GGTCCTTAACACAGTCGTGAACAAACGTGAGTTGCTCAAACCAAATGGGGGTGGGGTGGG-3'
Protein context (NP_000061.1, residues 665-685): DMEICADELK[Lys675Val]VLNTVVNKHK

ClinVar aggregate classification (germline): Uncertain significance (1 of 4 stars; one submission).

Conditions:
Autosomal recessive limb-girdle muscular dystrophy type 2A (LGMDR1). Also called: MUSCULAR DYSTROPHY, PELVOFEMORAL; Limb-girdle muscular dystrophy, type 2A; Calpainopathy; LEYDEN-MOEBIUS MUSCULAR DYSTROPHY; Muscular dystrophy, limb-girdle, type 2A, Amish. Identifiers: Orphanet 267, MedGen C1869123, MONDO:0009675, OMIM 253600. Disease mechanism: loss of function.

Submission:

Labcorp Genetics (formerly Invitae), Labcorp
Classification: Uncertain significance for Autosomal recessive limb-girdle muscular dystrophy type 2A. Last evaluated: 2025-08-08. Review status: criteria provided, single submitter. Criteria: Invitae Variant Classification Sherloc (09022015). Collection method: clinical testing. Allele origin: germline.
Comment: This sequence change replaces lysine, which is basic and polar, with valine, which is neutral and non-polar, at codon 675 of the CAPN3 protein (p.Lys675Val). Information on the frequency of this variant in the gnomAD database is not available, as this variant may be reported differently in the database. This variant has not been reported in the literature in individuals affected with CAPN3-related conditions. An algorithm developed to predict the effect of missense changes on protein structure and function (PolyPhen-2) suggests that this variant is likely to be tolerated. In summary, the available evidence is currently insufficient to determine the role of this variant in disease. Therefore, it has been classified as a Variant of Uncertain Significance.